The following is an entry in ClinVar:

ClinVar aggregate classification (germline): Benign/Likely benign. Review status: criteria provided, multiple submitters, no conflicts (2 of 4 stars). 7 submissions from 7 submitters: Benign (4); Likely benign (1). 2 of the submissions do not count toward it. Last evaluated 2026-02-01.

Allele frequency attached by ClinVar (database versions not stated): gnomAD exomes 0.01760; ExAC 0.02035; gnomAD 0.03907 and 0.04010; ESP Exome Variant Server 0.04037; TOPMed 0.04404; 1000 Genomes Project 30x 0.05575; 1000 Genomes Project 0.05611.
gnomAD v4.1: 17,622 of 1,614,148 alleles (1.1%); highest among the groups gnomAD compares: African/African-American, 13%; 854 homozygotes.

Submissions (7):

Labcorp Genetics (formerly Invitae), Labcorp
Classification: Benign. Last evaluated: 2026-02-01. Review status: criteria provided, single submitter. Criteria: Invitae Variant Classification Sherloc (09022015). Collection method: clinical testing. Allele origin: germline.

Mayo Clinic Laboratories, Mayo Clinic
Classification: Benign. Last evaluated: 2023-03-10. Review status: criteria provided, single submitter. Criteria: ACMG Guidelines, 2015. Collection method: clinical testing. Allele origin: germline. Observed: 6 variant alleles.
Comment: BA1, BP4

GeneDx
Classification: Benign. Last evaluated: 2020-03-14. Review status: criteria provided, single submitter. Criteria: GeneDx Variant Classification Process June 2021. Collection method: clinical testing. Allele origin: germline. Affected: yes.
Comment: This variant is associated with the following publications: (PMID: 30917570, 25886450)

Eurofins Ntd Llc (ga)
Classification: Benign. Last evaluated: 2016-11-22. Review status: criteria provided, single submitter. Criteria: EGL Classification Definitions 2015. Collection method: clinical testing. Allele origin: germline. Observed: 1 variant allele, 1 heterozygote.

Breakthrough Genomics
Classification: Likely benign. Review status: criteria provided, single submitter. Criteria: ACMG Guidelines, 2015. Collection method: not provided. Allele origin: germline. Inheritance: Autosomal recessive inheritance. Affected: yes.

Genome Diagnostics Laboratory, Amsterdam University Medical Center
Classification: Benign. Review status: no assertion criteria provided. Collection method: clinical testing. Allele origin: germline. Affected: yes. Study: VKGL Data-share Consensus. Not counted in ClinVar's aggregate classification.

Laboratory of Diagnostic Genome Analysis, Leiden University Medical Center (LUMC)
Classification: Likely benign. Review status: no assertion criteria provided. Collection method: clinical testing. Allele origin: germline. Affected: yes. Study: VKGL Data-share Consensus. Not counted in ClinVar's aggregate classification.

NM_018965.4(TREM2):c.632T>C (p.Leu211Pro)

Gene: TREM2 (triggering receptor expressed on myeloid cells 2; minus strand). Cytogenetic location: 6p21.1.
Variant type: single nucleotide variant.
Coding change: c.632T>C on transcript NM_018965.4 (MANE Select); coding-DNA position 632, T replaced by C.
Protein change: p.Leu211Pro; replaces leucine 211 with proline.
Molecular consequence: missense variant. On other transcripts: intron variant (1).
Genome position (GRCh38, 1-based): chr6:41,158,917, A>G on the plus strand (T>C on the coding strand, the complement: TREM2 is on the minus strand). VCF-style: chr6-41158917-A-G. GRCh37 (hg19) VCF-style: chr6-41126655-A-G.
Other names: c.483-137T>C (NM_001271821.2); c.632T>C (NM_018965.2); short protein forms L211P.
Identifiers: ClinVar variation 356676 (VCV000356676.22), dbSNP rs2234256, ClinGen allele CA3798829.